The following is an entry in ClinVar:

NM_014324.6(AMACR):c.31C>G (p.Leu11Val)

Genes: C1QTNF3-AMACR (C1QTNF3-AMACR readthrough (NMD candidate); minus strand), AMACR (alpha-methylacyl-CoA racemase; minus strand). Cytogenetic location: 5p13.2.
Variant type: single nucleotide variant.
Coding change: c.31C>G on transcript NM_014324.6 (MANE Select); coding-DNA position 31, C replaced by G.
Protein change: p.Leu11Val; replaces leucine 11 with valine.
Molecular consequence: missense variant.
Genome position (GRCh38, 1-based): chr5:34,007,989, G>C on the plus strand (C>G on the coding strand, the complement: AMACR is on the minus strand). VCF-style: chr5-34007989-G-C. GRCh37 (hg19) VCF-style: chr5-34008094-G-C.
Other names: c.31C>G, p.Leu11Val (NM_001167595.2, NM_203382.3); short protein forms L11V.
Identifiers: ClinVar variation 1444447 (VCV001444447.3), dbSNP rs1032174171, ClinGen allele CA116872924.
Genomic context (GRCh38, chr5:34,007,989, plus strand): 5'-CACGCGCCCCGAAGTCAGCCAGGACCATAGCACAGAACGGGCCCGGGGCCAGGCCGGACA[G>C]CTCCACGACCGAGATGCCCTGCAGTGCCATGGCGCTTCCCAGTGCCCCGCTGAAGGAAAC-3'
Protein context (NP_055139.4, residues 1-21): MALQGISVVE[Leu11Val]SGLAPGPFCA

ClinVar aggregate classification (germline): Uncertain significance (1 of 4 stars; one submission).

Conditions:
Alpha-methylacyl-CoA racemase deficiency (AMACRD). Also called: AMACR deficiency. Identifiers: Orphanet 79095, MedGen C3280428, MONDO:0013681, OMIM 614307. Disease mechanism: loss of function.

Allele frequency attached by ClinVar (database versions not stated): gnomAD 0.00001; TOPMed 0.00001.
gnomAD v4.1: 15 of 1,611,596 alleles (0.00093%); highest among the groups gnomAD compares: Non-Finnish European, 0.0013%; no homozygotes.

Submission:

Labcorp Genetics (formerly Invitae), Labcorp
Classification: Uncertain significance for Alpha-methylacyl-CoA racemase deficiency. Last evaluated: 2022-04-07. Review status: criteria provided, single submitter. Criteria: Invitae Variant Classification Sherloc (09022015). Collection method: clinical testing. Allele origin: germline.
Comment: This sequence change replaces leucine, which is neutral and non-polar, with valine, which is neutral and non-polar, at codon 11 of the AMACR protein (p.Leu11Val). This variant is not present in population databases (gnomAD no frequency). This variant has not been reported in the literature in individuals affected with AMACR-related conditions. Algorithms developed to predict the effect of missense changes on protein structure and function are either unavailable or do not agree on the potential impact of this missense change (SIFT: "Deleterious"; PolyPhen-2: "Possibly Damaging"; Align-GVGD: "Class C0"). Algorithms developed to predict the effect of sequence changes on RNA splicing suggest that this variant may create or strengthen a splice site. In summary, the available evidence is currently insufficient to determine the role of this variant in disease. Therefore, it has been classified as a Variant of Uncertain Significance.